The following is an entry in ClinVar:

NM_001009944.3(PKD1):c.9319C>T (p.Arg3107Cys)

Gene: PKD1 (polycystin 1, transient receptor potential channel interacting; minus strand). Cytogenetic location: 16p13.3.
Variant type: single nucleotide variant.
Coding change: c.9319C>T on transcript NM_001009944.3 (MANE Select); coding-DNA position 9319, C replaced by T.
Protein change: p.Arg3107Cys; replaces arginine 3107 with cysteine.
Molecular consequence: missense variant.
Genome position (GRCh38, 1-based): chr16:2,102,139, G>A on the plus strand (C>T on the coding strand, the complement: PKD1 is on the minus strand). VCF-style: chr16-2102139-G-A. GRCh37 (hg19) VCF-style: chr16-2152140-G-A.
Other names: c.9319C>T, p.Arg3107Cys (NM_000296.4); short protein forms R3107C.
Identifiers: ClinVar variation 4979170 (VCV004979170.1).

ClinVar aggregate classification (germline): Likely benign (1 of 4 stars; one submission).

Conditions:
PKD1-related disorder. Also called: PKD1-related condition.

gnomAD v4.1: 84 of 1,568,304 alleles (0.0054%); highest among the groups gnomAD compares: South Asian, 0.061%; 2 homozygotes.

Submission:

PreventionGenetics, part of Exact Sciences
Classification: Likely benign for PKD1-related condition. Last evaluated: 2026-05-15. Review status: criteria provided, single submitter. Criteria: ACMG Guidelines, 2015. Collection method: clinical testing. Allele origin: germline.
Comment: This variant is classified as likely benign based on ACMG/AMP sequence variant interpretation guidelines (Richards et al. 2015 PMID: 25741868, with internal and published modifications).